The following is an entry in ClinVar:

ClinVar aggregate classification (germline): Uncertain significance (1 of 4 stars; one submission).

Conditions:
Giant axonal neuropathy 1 (GAN1). Also called: GAN-Related Neurodegeneration; GIANT AXONAL NEUROPATHY 1, AUTOSOMAL RECESSIVE. Identifiers: Orphanet 643, MedGen C1850386, MONDO:0009749, OMIM 256850.

gnomAD v4.1: 3 of 1,612,820 alleles (0.00019%); highest among the groups gnomAD compares: South Asian, 0.0011%; no homozygotes.

Submission:

Labcorp Genetics (formerly Invitae), Labcorp
Classification: Uncertain significance for Giant axonal neuropathy 1. Last evaluated: 2025-11-15. Review status: criteria provided, single submitter. Criteria: Invitae Variant Classification Sherloc (09022015). Collection method: clinical testing. Allele origin: germline.
Comment: This sequence change replaces tyrosine, which is neutral and polar, with cysteine, which is neutral and slightly polar, at codon 194 of the GAN protein (p.Tyr194Cys). This variant is not present in population databases (gnomAD no frequency). This variant has not been reported in the literature in individuals affected with GAN-related conditions. Invitae Evidence Modeling of protein sequence and biophysical properties (such as structural, functional, and spatial information, amino acid conservation, physicochemical variation, residue mobility, and thermodynamic stability) indicates that this missense variant is not expected to disrupt GAN protein function with a negative predictive value of 80%. In summary, the available evidence is currently insufficient to determine the role of this variant in disease. Therefore, it has been classified as a Variant of Uncertain Significance.

NM_022041.4(GAN):c.581A>G (p.Tyr194Cys)

Gene: GAN (gigaxonin; plus strand). Cytogenetic location: 16q23.2.
Variant type: single nucleotide variant.
Coding change: c.581A>G on transcript NM_022041.4 (MANE Select); coding-DNA position 581, A replaced by G.
Protein change: p.Tyr194Cys; replaces tyrosine 194 with cysteine.
Molecular consequence: missense variant. On other transcripts: 5 prime UTR variant (1).
Genome position (GRCh38, 1-based): chr16:81,354,703, A>G. VCF-style: chr16-81354703-A-G. GRCh37 (hg19) VCF-style: chr16-81388308-A-G.
Other names: c.-59A>G (NM_001377486.1); short protein forms Y194C.
Identifiers: ClinVar variation 4799339 (VCV004799339.1).